The following is an entry in ClinVar:

ClinVar aggregate classification (germline): Uncertain significance. Review status: criteria provided, multiple submitters, no conflicts (2 of 4 stars). 4 submissions from 4 submitters: Uncertain significance (4). Last evaluated 2025-12-11.

Conditions:
Inborn genetic diseases. Identifiers: MedGen C0950123, MeSH D030342.
Developmental and epileptic encephalopathy, 23 (DEE23). Also called: Epileptic encephalopathy, early infantile, 23. Identifiers: Orphanet 411986, MedGen C4014492, MONDO:0014371, OMIM 615859.

Allele frequency attached by ClinVar (database versions not stated): TOPMed 0.00001.
gnomAD v4.1: 9 of 1,611,470 alleles (0.00056%); highest among the groups gnomAD compares: Admixed American, 0.01%; no homozygotes.

Submissions (4):

Labcorp Genetics (formerly Invitae), Labcorp
Classification: Uncertain significance for Developmental and epileptic encephalopathy, 23. Last evaluated: 2025-12-11. Review status: criteria provided, single submitter. Criteria: Invitae Variant Classification Sherloc (09022015). Collection method: clinical testing. Allele origin: germline.
Comment: This sequence change replaces arginine, which is basic and polar, with leucine, which is neutral and non-polar, at codon 916 of the DOCK7 protein (p.Arg916Leu). This variant is present in population databases (rs781276473, gnomAD 0.003%). This variant has not been reported in the literature in individuals affected with DOCK7-related conditions. ClinVar contains an entry for this variant (Variation ID: 1011660). Invitae Evidence Modeling of protein sequence and biophysical properties (such as structural, functional, and spatial information, amino acid conservation, physicochemical variation, residue mobility, and thermodynamic stability) has been performed for this missense variant. However, the output from this modeling did not meet the statistical confidence thresholds required to predict the impact of this variant on DOCK7 protein function. In summary, the available evidence is currently insufficient to determine the role of this variant in disease. Therefore, it has been classified as a Variant of Uncertain Significance.

Genome-Nilou Lab
Classification: Uncertain significance for Developmental and epileptic encephalopathy, 23. Last evaluated: 2023-04-11. Review status: criteria provided, single submitter. Criteria: ACMG Guidelines, 2015. Collection method: clinical testing. Allele origin: germline. Affected: no.

Ambry Genetics
Classification: Uncertain significance for Inborn genetic diseases. Last evaluated: 2021-05-10. Review status: criteria provided, single submitter. Criteria: Ambry Variant Classification Scheme 2023. Collection method: clinical testing. Allele origin: germline.

Breakthrough Genomics
Classification: Uncertain significance. Review status: criteria provided, single submitter. Criteria: ACMG Guidelines, 2015. Collection method: not provided. Allele origin: germline. Inheritance: Autosomal recessive inheritance. Affected: yes.

NM_001367561.1(DOCK7):c.2747G>T (p.Arg916Leu)

Gene: DOCK7 (dedicator of cytokinesis 7; minus strand). Cytogenetic location: 1p31.3.
Variant type: single nucleotide variant.
Coding change: c.2747G>T on transcript NM_001367561.1 (MANE Select); coding-DNA position 2747, G replaced by T.
Protein change: p.Arg916Leu; replaces arginine 916 with leucine.
Molecular consequence: missense variant.
Genome position (GRCh38, 1-based): chr1:62,552,751, C>A on the plus strand (G>T on the coding strand, the complement: DOCK7 is on the minus strand). VCF-style: chr1-62552751-C-A. GRCh37 (hg19) VCF-style: chr1-63018422-C-A.
Other names: c.2747G>T (NM_033407.2); c.2747G>T, p.Arg916Leu (NM_001271999.2, NM_001272000.2, NM_001272001.2 and 2 more transcripts); short protein forms R916L.
Identifiers: ClinVar variation 1011660 (VCV001011660.8), dbSNP rs781276473, ClinGen allele CA886185.